The following is an entry in ClinVar:

NM_004984.4(KIF5A):c.1181G>A (p.Cys394Tyr)

Gene: KIF5A (kinesin family member 5A; plus strand). Cytogenetic location: 12q13.3.
Variant type: single nucleotide variant.
Coding change: c.1181G>A on transcript NM_004984.4 (MANE Select); coding-DNA position 1181, G replaced by A.
Protein change: p.Cys394Tyr; replaces cysteine 394 with tyrosine.
Molecular consequence: missense variant.
Genome position (GRCh38, 1-based): chr12:57,570,050, G>A. VCF-style: chr12-57570050-G-A. GRCh37 (hg19) VCF-style: chr12-57963833-G-A.
Other names: c.914G>A, p.Cys305Tyr (NM_001354705.2); short protein forms C394Y, C305Y.
Identifiers: ClinVar variation 2084418 (VCV002084418.4), dbSNP rs2540501521, ClinGen allele CA385503858.

ClinVar aggregate classification (germline): Uncertain significance (1 of 4 stars; one submission).

Conditions:
Spastic paraplegia. Identifiers: MedGen C0037772, HP:0001258.

Submission:

Labcorp Genetics (formerly Invitae), Labcorp
Classification: Uncertain significance for Spastic paraplegia. Last evaluated: 2026-01-12. Review status: criteria provided, single submitter. Criteria: Invitae Variant Classification Sherloc (09022015). Collection method: clinical testing. Allele origin: germline.
Comment: This sequence change replaces cysteine, which is neutral and slightly polar, with tyrosine, which is neutral and polar, at codon 394 of the KIF5A protein (p.Cys394Tyr). This variant is not present in population databases (gnomAD no frequency). This variant has not been reported in the literature in individuals affected with KIF5A-related conditions. ClinVar contains an entry for this variant (Variation ID: 2084418). Invitae Evidence Modeling of protein sequence and biophysical properties (such as structural, functional, and spatial information, amino acid conservation, physicochemical variation, residue mobility, and thermodynamic stability) indicates that this missense variant is not expected to disrupt KIF5A protein function with a negative predictive value of 95%. In summary, the available evidence is currently insufficient to determine the role of this variant in disease. Therefore, it has been classified as a Variant of Uncertain Significance.